The following is an entry in ClinVar:

ClinVar aggregate classification (germline): Pathogenic. Review status: criteria provided, multiple submitters, no conflicts (2 of 4 stars). 2 submissions from 2 submitters: Pathogenic (2). Last evaluated 2024-01-16.

Conditions:
Hermansky-Pudlak syndrome 3 (HPS3). Identifiers: Orphanet 231512, Orphanet 79430, MedGen C3888001, MONDO:0013555, OMIM 614072.

Allele frequency attached by ClinVar (database versions not stated): gnomAD exomes below 0.00001; TOPMed below 0.00001.

Submissions (2):

Labcorp Genetics (formerly Invitae), Labcorp
Classification: Pathogenic. Last evaluated: 2024-01-16. Review status: criteria provided, single submitter. Criteria: Invitae Variant Classification Sherloc (09022015). Collection method: clinical testing. Allele origin: germline.
Comment: This sequence change creates a premature translational stop signal (p.Arg107*) in the HPS3 gene. It is expected to result in an absent or disrupted protein product. Loss-of-function variants in HPS3 are known to be pathogenic (PMID: 11590544). This variant is not present in population databases (gnomAD no frequency). This premature translational stop signal has been observed in individual(s) with clinical features of Hermansky-Pudlak syndrome (PMID: 31141302). ClinVar contains an entry for this variant (Variation ID: 1916244). For these reasons, this variant has been classified as Pathogenic.

Baylor Genetics
Classification: Pathogenic for Hermansky-Pudlak syndrome 3. Last evaluated: 2023-12-17. Review status: criteria provided, single submitter. Criteria: ACMG Guidelines, 2015. Collection method: clinical testing. Allele origin: unknown.

Literature cited by the submitters: PubMed 11590544 (cited by Labcorp Genetics (formerly Invitae), Labcorp); PubMed 31141302 (cited by Labcorp Genetics (formerly Invitae), Labcorp).

NM_032383.5(HPS3):c.319C>T (p.Arg107Ter)

Gene: HPS3 (HPS3 biogenesis of lysosomal organelles complex 2 subunit 1; plus strand). Cytogenetic location: 3q24.
Variant type: single nucleotide variant.
Coding change: c.319C>T on transcript NM_032383.5 (MANE Select); coding-DNA position 319, C replaced by T.
Protein change: p.Arg107Ter; replaces arginine 107 with a stop codon.
Molecular consequence: nonsense. On other transcripts: intron variant (1).
Genome position (GRCh38, 1-based): chr3:149,140,105, C>T. VCF-style: chr3-149140105-C-T. GRCh37 (hg19) VCF-style: chr3-148857892-C-T.
Other names: c.218-912C>T (NM_001308258.2); short protein forms R107*.
Identifiers: ClinVar variation 1916244 (VCV001916244.6), dbSNP rs1722344275, ClinGen allele CA354910752.